The following is an entry in ClinVar:

ClinVar aggregate classification (germline): Uncertain significance. Review status: criteria provided, multiple submitters, no conflicts (2 of 4 stars). 2 submissions from 2 submitters: Uncertain significance (2). Last evaluated 2025-09-02.

Conditions:
VPS13B-related disorder. Also called: VPS13B-related condition.

Submissions (2):

PreventionGenetics, part of Exact Sciences
Classification: Uncertain significance for VPS13B-related condition. Last evaluated: 2025-09-02. Review status: criteria provided, single submitter. Criteria: ACMG Guidelines, 2015. Collection method: clinical testing. Allele origin: germline.
Comment: The VPS13B c.4280C>T variant is predicted to result in the amino acid substitution p.Thr1427Ile. To our knowledge, this variant has not been reported in the literature or in a large population database (gnomAD), indicating this variant is rare. At this time, the clinical significance of this variant is uncertain due to the absence of conclusive functional and genetic evidence.

Mayo Clinic Laboratories, Mayo Clinic
Classification: Uncertain significance. Last evaluated: 2019-06-03. Review status: criteria provided, single submitter. Criteria: ACMG Guidelines, 2015. Collection method: clinical testing. Allele origin: germline. Observed: 1 variant allele.

NM_152564.5(VPS13B):c.4280C>T (p.Thr1427Ile)

Gene: VPS13B (vacuolar protein sorting 13 homolog B; plus strand). Cytogenetic location: 8q22.2.
Variant type: single nucleotide variant.
Coding change: c.4280C>T on transcript NM_152564.5 (MANE Select); coding-DNA position 4280, C replaced by T.
Protein change: p.Thr1427Ile; replaces threonine 1427 with isoleucine.
Molecular consequence: missense variant.
Genome position (GRCh38, 1-based): chr8:99,511,159, C>T. VCF-style: chr8-99511159-C-T. GRCh37 (hg19) VCF-style: chr8-100523387-C-T.
Other names: c.4355C>T, p.Thr1452Ile (NM_017890.5); c.4280C>T (NM_152564.4); short protein forms T1427I, T1452I.
Identifiers: ClinVar variation 1163488 (VCV001163488.6), dbSNP rs2133637221, ClinGen allele CA371871285.
Genomic context (GRCh38, chr8:99,511,159, plus strand): 5'-AACAGACAACTACAAAACTTCTAGATGGCACTCATCAGCAGCATGGATTCCTCTCTCTGA[C>T]ATACACAAAAGCTGTAACAAAAAATGTCCGCCACAAGTTAACATCAAGAAATGAGCGAAG-3'
Protein context (NP_689777.3, residues 1417-1437): THQQHGFLSL[Thr1427Ile]YTKAVTKNVR